The following is an entry in ClinVar:

NM_006904.7(PRKDC):c.8152G>A (p.Gly2718Ser)

Gene: PRKDC (protein kinase, DNA-activated, catalytic subunit; minus strand). Cytogenetic location: 8q11.21.
Variant type: single nucleotide variant.
Coding change: c.8152G>A on transcript NM_006904.7 (MANE Select); coding-DNA position 8152, G replaced by A.
Protein change: p.Gly2718Ser; replaces glycine 2718 with serine.
Molecular consequence: missense variant.
Genome position (GRCh38, 1-based): chr8:47,834,196, C>T on the plus strand (G>A on the coding strand, the complement: PRKDC is on the minus strand). VCF-style: chr8-47834196-C-T. GRCh37 (hg19) VCF-style: chr8-48746757-C-T.
Other names: c.8152G>A, p.Gly2718Ser (NM_001081640.2); short protein forms G2718S.
Identifiers: ClinVar variation 2132839 (VCV002132839.4), dbSNP rs2551867043, ClinGen allele CA371148934.

ClinVar aggregate classification (germline): Uncertain significance (1 of 4 stars; one submission).

Conditions:
Severe combined immunodeficiency due to DNA-PKcs deficiency. Also called: Immunodeficiency 26 with or without neurologic abnormalities; IMMUNODEFICIENCY 26 WITH NEUROLOGIC ABNORMALITIES. Identifiers: Orphanet 317425, MedGen C4014833, MONDO:0014423, OMIM 615966.

Submission:

Labcorp Genetics (formerly Invitae), Labcorp
Classification: Uncertain significance for Severe combined immunodeficiency due to DNA-PKcs deficiency. Last evaluated: 2024-02-24. Review status: criteria provided, single submitter. Criteria: Invitae Variant Classification Sherloc (09022015). Collection method: clinical testing. Allele origin: germline.
Comment: This sequence change replaces glycine, which is neutral and non-polar, with serine, which is neutral and polar, at codon 2718 of the PRKDC protein (p.Gly2718Ser). This variant also falls at the last nucleotide of exon 59, which is part of the consensus splice site for this exon. This variant is not present in population databases (gnomAD no frequency). This variant has not been reported in the literature in individuals affected with PRKDC-related conditions. ClinVar contains an entry for this variant (Variation ID: 2132839). Experimental studies and prediction algorithms are not available or were not evaluated, and the functional significance of this variant is currently unknown. Variants that disrupt the consensus splice site are a relatively common cause of aberrant splicing (PMID: 17576681, 9536098). Algorithms developed to predict the effect of sequence changes on RNA splicing suggest that this variant may disrupt the consensus splice site. In summary, the available evidence is currently insufficient to determine the role of this variant in disease. Therefore, it has been classified as a Variant of Uncertain Significance.

Literature cited by the submitters: PubMed 17576681; PubMed 9536098.